The following is an entry in ClinVar:

ClinVar aggregate classification (germline): Conflicting classifications of pathogenicity. Review status: criteria provided, conflicting classifications (1 of 4 stars). 3 submissions from 3 submitters: Uncertain significance (2); Likely benign (1). Last evaluated 2025-07-08.

Conditions:
Cardiovascular phenotype. Identifiers: MedGen CN230736.
Dilated cardiomyopathy 1O (CMD1O). Also called: CARDIOMYOPATHY, DILATED, WITH VENTRICULAR TACHYCARDIA. Identifiers: Orphanet 154, MedGen C1837839, MONDO:0012062, OMIM 608569.

Allele frequency attached by ClinVar (database versions not stated): TOPMed below 0.00001; gnomAD exomes 0.00001.
gnomAD v4.1: 13 of 1,613,996 alleles (0.00081%); highest among the groups gnomAD compares: East Asian, 0.0022%; no homozygotes.

Submissions (3):

Labcorp Genetics (formerly Invitae), Labcorp
Classification: Uncertain significance for Dilated cardiomyopathy 1O. Last evaluated: 2025-07-08. Review status: criteria provided, single submitter. Criteria: Invitae Variant Classification Sherloc (09022015). Collection method: clinical testing. Allele origin: germline.
Comment: This sequence change replaces threonine, which is neutral and polar, with methionine, which is neutral and non-polar, at codon 590 of the ABCC9 protein (p.Thr590Met). This variant is present in population databases (no rsID available, gnomAD 0.006%). This variant has not been reported in the literature in individuals affected with ABCC9-related conditions. ClinVar contains an entry for this variant (Variation ID: 1779734). Invitae Evidence Modeling of protein sequence and biophysical properties (such as structural, functional, and spatial information, amino acid conservation, physicochemical variation, residue mobility, and thermodynamic stability) has been performed for this missense variant. However, the output from this modeling did not meet the statistical confidence thresholds required to predict the impact of this variant on ABCC9 protein function. In summary, the available evidence is currently insufficient to determine the role of this variant in disease. Therefore, it has been classified as a Variant of Uncertain Significance.

Ambry Genetics
Classification: Uncertain significance for Cardiovascular phenotype. Last evaluated: 2020-10-23. Review status: criteria provided, single submitter. Criteria: Ambry Variant Classification Scheme 2023. Collection method: clinical testing. Allele origin: germline.
Comment: The p.T590M variant (also known as c.1769C>T), located in coding exon 12 of the ABCC9 gene, results from a C to T substitution at nucleotide position 1769. The threonine at codon 590 is replaced by methionine, an amino acid with similar properties. This amino acid position is highly conserved in available vertebrate species. In addition, this alteration is predicted to be deleterious by in silico analysis. Since supporting evidence is limited at this time, the clinical significance of this alteration remains unclear.

Blueprint Genetics
Classification: Likely benign. Last evaluated: 2019-09-11. Review status: criteria provided, single submitter. Criteria: ACMG Guidelines, 2015. Collection method: clinical testing. Allele origin: germline.

NM_020297.4(ABCC9):c.1769C>T (p.Thr590Met)

Gene: ABCC9 (ATP binding cassette subfamily C member 9; minus strand). Cytogenetic location: 12p12.1.
Variant type: single nucleotide variant.
Coding change: c.1769C>T on transcript NM_020297.4 (MANE Select); coding-DNA position 1769, C replaced by T.
Protein change: p.Thr590Met; replaces threonine 590 with methionine.
Molecular consequence: missense variant.
Genome position (GRCh38, 1-based): chr12:21,894,065, G>A on the plus strand (C>T on the coding strand, the complement: ABCC9 is on the minus strand). VCF-style: chr12-21894065-G-A. GRCh37 (hg19) VCF-style: chr12-22046999-G-A.
Other names: c.1769C>T, p.Thr590Met (NM_001377273.1, NM_005691.4); c.905C>T, p.Thr302Met (NM_001377274.1); short protein forms T302M, T590M.
Identifiers: ClinVar variation 1779734 (VCV001779734.6), dbSNP rs1479031095, ClinGen allele CA384137072.